The following is an entry in ClinVar:

NM_153006.3(NAGS):c.915+29C>T

Gene: NAGS (N-acetylglutamate synthase; plus strand). Cytogenetic location: 17q21.31.
Variant type: single nucleotide variant.
Coding change: c.915+29C>T on transcript NM_153006.3 (MANE Select); 29 bases into the intron after coding-DNA position 915, C replaced by T.
Molecular consequence: intron variant.
Genome position (GRCh38, 1-based): chr17:44,006,266, C>T. VCF-style: chr17-44006266-C-T. GRCh37 (hg19) VCF-style: chr17-42083634-C-T.
Other names: p.?.
Identifiers: ClinVar variation 262689 (VCV000262689.6), dbSNP rs146451392, ClinGen allele CA8595261.

ClinVar aggregate classification (germline): Likely benign. Review status: criteria provided, multiple submitters, no conflicts (2 of 4 stars). 3 submissions from 3 submitters: Likely benign (3). Last evaluated 2025-05-27.

Allele frequency attached by ClinVar (database versions not stated): gnomAD exomes 0.00904 and 0.01074; 1000 Genomes Project 0.00359; TOPMed 0.00695; 1000 Genomes Project 30x 0.00344; ESP Exome Variant Server 0.00713; gnomAD 0.00980 and 0.01020.
gnomAD v4.1: 16,977 of 1,608,426 alleles (1.1%); highest among the groups gnomAD compares: Non-Finnish European, 1.2%; 148 homozygotes.

Submissions (3):

Mayo Clinic Laboratories, Mayo Clinic
Classification: Likely benign. Last evaluated: 2025-05-27. Review status: criteria provided, single submitter. Criteria: ACMG Guidelines, 2015. Collection method: clinical testing. Allele origin: germline. Observed: 1 variant allele.
Comment: BA1, BS2, BP7

GeneDx
Classification: Likely benign. Last evaluated: 2018-07-10. Review status: criteria provided, single submitter. Criteria: GeneDx Variant Classification Process June 2021. Collection method: clinical testing. Allele origin: germline. Affected: yes.

PreventionGenetics, part of Exact Sciences
Classification: Likely benign. Review status: criteria provided, single submitter. Criteria: ACMG Guidelines, 2015. Collection method: clinical testing. Allele origin: germline.